The following is an entry in ClinVar:

NM_012431.3(SEMA3E):c.1691G>A (p.Arg564Gln)

Gene: SEMA3E (semaphorin 3E; minus strand). Cytogenetic location: 7q21.11.
Variant type: single nucleotide variant.
Coding change: c.1691G>A on transcript NM_012431.3 (MANE Select); coding-DNA position 1691, G replaced by A.
Protein change: p.Arg564Gln; replaces arginine 564 with glutamine.
Molecular consequence: missense variant.
Genome position (GRCh38, 1-based): chr7:83,387,027, C>T on the plus strand (G>A on the coding strand, the complement: SEMA3E is on the minus strand). VCF-style: chr7-83387027-C-T. GRCh37 (hg19) VCF-style: chr7-83016343-C-T.
Other names: c.1511G>A, p.Arg504Gln (NM_001178129.2); c.1691G>A (NM_012431.2); short protein forms R564Q, R504Q.
Identifiers: ClinVar variation 1986544 (VCV001986544.7), dbSNP rs777600869, ClinGen allele CA4321934.

ClinVar aggregate classification (germline): Uncertain significance. Review status: criteria provided, multiple submitters, no conflicts (2 of 4 stars). 2 submissions from 2 submitters: Uncertain significance (2). Last evaluated 2026-08-24.

Conditions:
SEMA3E-related disorder. Also called: SEMA3E-related condition.
CHARGE syndrome (CHARGE). Also called: Hittner Hirsch Kreh syndrome; CHARGE ASSOCIATION--COLOBOMA, HEART ANOMALY, CHOANAL ATRESIA, RETARDATION, GENITAL AND EAR ANOMALIES; Coloboma, heart anomaly, choanal atresia, retardation, genital and ear anomalies; CHARGE association; Hall-Hittner syndrome. Identifiers: Orphanet 138, MedGen C0265354, MONDO:0008965.

Allele frequency attached by ClinVar (database versions not stated): gnomAD 0.00001; gnomAD exomes 0.00001; TOPMed 0.00003; ExAC 0.00010.
gnomAD v4.1: 15 of 1,613,128 alleles (0.00093%); highest among the groups gnomAD compares: Admixed American, 0.015%; no homozygotes.

Submissions (2):

PreventionGenetics, part of Exact Sciences
Classification: Uncertain significance for SEMA3E-related condition. Last evaluated: 2026-08-24. Review status: criteria provided, single submitter. Criteria: ACMG Guidelines, 2015. Collection method: clinical testing. Allele origin: germline.
Comment: The SEMA3E c.1691G>A variant is predicted to result in the amino acid substitution p.Arg564Gln. To our knowledge, this variant has not been reported in the literature. This variant is reported in 0.026% of alleles in individuals of Latino descent in gnomAD, which may be too common to be a primary cause of disease. Although we suspect that this variant may be benign, at this time, the clinical significance of this variant is uncertain due to the absence of conclusive functional and genetic evidence.

Labcorp Genetics (formerly Invitae), Labcorp
Classification: Uncertain significance for CHARGE syndrome. Last evaluated: 2025-09-29. Review status: criteria provided, single submitter. Criteria: Invitae Variant Classification Sherloc (09022015). Collection method: clinical testing. Allele origin: germline.
Comment: This sequence change replaces arginine, which is basic and polar, with glutamine, which is neutral and polar, at codon 564 of the SEMA3E protein (p.Arg564Gln). This variant is present in population databases (rs777600869, gnomAD 0.04%). This variant has not been reported in the literature in individuals affected with SEMA3E-related conditions. ClinVar contains an entry for this variant (Variation ID: 1986544). Invitae Evidence Modeling of protein sequence and biophysical properties (such as structural, functional, and spatial information, amino acid conservation, physicochemical variation, residue mobility, and thermodynamic stability) indicates that this missense variant is not expected to disrupt SEMA3E protein function with a negative predictive value of 80%. In summary, the available evidence is currently insufficient to determine the role of this variant in disease. Therefore, it has been classified as a Variant of Uncertain Significance.